The following is an entry in ClinVar:

ClinVar aggregate classification (germline): Pathogenic/Likely pathogenic. Review status: criteria provided, multiple submitters, no conflicts (2 of 4 stars). 2 submissions from 2 submitters: Pathogenic (1); Likely pathogenic (1). Last evaluated 2023-08-30.

Conditions:
Glycine encephalopathy 1 (GCE1). Identifiers: MedGen CN376801, MONDO:0958179, OMIM 605899.
Glycine encephalopathy. Also called: Nonketotic hyperglycinemia; Non-ketotic hyperglycinemia. Identifiers: Orphanet 407, MedGen C0751748, MONDO:0011612, HP:0008288.

Submissions (2):

Laboratorio de Genetica e Diagnostico Molecular, Hospital Israelita Albert Einstein
Classification: Likely pathogenic for Glycine encephalopathy 1. Last evaluated: 2023-08-30. Review status: criteria provided, single submitter. Criteria: ACMG Guidelines, 2015. Collection method: clinical testing. Allele origin: germline. Affected: yes.
Comment: ACMG classification criteria: PVS1 very strong, PM2 moderate

Labcorp Genetics (formerly Invitae), Labcorp
Classification: Pathogenic for Glycine encephalopathy. Last evaluated: 2022-08-22. Review status: criteria provided, single submitter. Criteria: Invitae Variant Classification Sherloc (09022015). Collection method: clinical testing. Allele origin: germline.
Comment: For these reasons, this variant has been classified as Pathogenic. This variant has not been reported in the literature in individuals affected with GLDC-related conditions. This variant is not present in population databases (gnomAD no frequency). This sequence change creates a premature translational stop signal (p.Pro570Leufs*64) in the GLDC gene. It is expected to result in an absent or disrupted protein product. Loss-of-function variants in GLDC are known to be pathogenic (PMID: 16601880).

Literature cited by the submitters: PubMed 16601880 (cited by Labcorp Genetics (formerly Invitae), Labcorp).

NM_000170.3(GLDC):c.1709del (p.Pro570fs)

Gene: GLDC (glycine decarboxylase; minus strand). Cytogenetic location: 9p24.1.
Variant type: Deletion.
Coding change: c.1709del on transcript NM_000170.3 (MANE Select); coding-DNA position 1709, one base deleted (C; older notation c.1709delC).
Protein change: p.Pro570fs; shifts the reading frame from proline 570.
Molecular consequence: frameshift variant.
Genome position (GRCh38, 1-based): chr9:6,587,282, G deleted on the plus strand (C on the coding strand, the reverse complement: GLDC is on the minus strand); the first of 2 consecutive G bases (chr9:6,587,282-6,587,283); deleting either gives the same sequence. VCF-style (leftmost placement, unchanged base first): chr9-6587281-AG-A. GRCh37 (hg19) VCF-style: chr9-6587281-AG-A.
Other names: short protein forms P570fs.
Identifiers: ClinVar variation 2026138 (VCV002026138.5), dbSNP rs2489076947, ClinGen allele CA2580080230.